The following is an entry in ClinVar:

ClinVar aggregate classification (germline): Uncertain significance. Review status: criteria provided, single submitter (1 of 4 stars). 2 submissions from 2 submitters: Uncertain significance (1). 1 of the submissions does not count toward it. Last evaluated 2025-02-19.

Conditions:
Cardiovascular phenotype. Identifiers: MedGen CN230736.
DSP-related disorder. Also called: DSP-related disorders; DSP-related condition.

gnomAD v4.1: 1 of 1,614,116 alleles (0.000062%); highest among the groups gnomAD compares: Non-Finnish European, 0.000085%; no homozygotes.

Submissions (2):

Ambry Genetics
Classification: Uncertain significance for Cardiovascular phenotype. Last evaluated: 2025-02-19. Review status: criteria provided, single submitter. Criteria: Ambry Variant Classification Scheme 2023. Collection method: clinical testing. Allele origin: germline.
Comment: The p.L863P variant (also known as c.2588T>C), located in coding exon 18 of the DSP gene, results from a T to C substitution at nucleotide position 2588. The leucine at codon 863 is replaced by proline, an amino acid with similar properties. This variant was reported in an individual with features consistent with arrhythmogenic cardiomyopathy (Ollitrault P et al. Front Cardiovasc Med, 2022 Oct;9:998883). This amino acid position is well conserved in available vertebrate species. In addition, this alteration is predicted to be deleterious by in silico analysis. Based on the available evidence, the clinical significance of this variant remains unclear.

PreventionGenetics, part of Exact Sciences
Classification: Uncertain significance for DSP-related condition. Last evaluated: 2024-09-23. Review status: no assertion criteria provided. Collection method: clinical testing. Allele origin: germline. Not counted in ClinVar's aggregate classification.
Comment: The DSP c.2588T>C variant is predicted to result in the amino acid substitution p.Leu863Pro. This variant has been reported in an individual with arrhythmogenic cardiomyopathy and acute myocarditis (Ollitrault et al. 2022. PubMed ID: 36386348). This variant is reported in 0.0065% of alleles in individuals of European (Non-Finnish) descent in gnomAD. At this time, the clinical significance of this variant is uncertain due to the absence of conclusive functional and genetic evidence.

Literature cited by the submitters: PubMed 36386348 (cited by Ambry Genetics).

NM_004415.4(DSP):c.2588T>C (p.Leu863Pro)

Gene: DSP (desmoplakin; plus strand). Cytogenetic location: 6p24.3.
Variant type: single nucleotide variant.
Coding change: c.2588T>C on transcript NM_004415.4 (MANE Select); coding-DNA position 2588, T replaced by C.
Protein change: p.Leu863Pro; replaces leucine 863 with proline.
Molecular consequence: missense variant.
Genome position (GRCh38, 1-based): chr6:7,575,446, T>C. VCF-style: chr6-7575446-T-C. GRCh37 (hg19) VCF-style: chr6-7575679-T-C.
Other names: c.2588T>C, p.Leu863Pro (NM_001008844.3, NM_001319034.2); short protein forms L863P.
Identifiers: ClinVar variation 3346194 (VCV003346194.2).